The following is an entry in ClinVar:

ClinVar aggregate classification (germline): Conflicting classifications of pathogenicity. Review status: criteria provided, conflicting classifications (1 of 4 stars). 9 submissions from 9 submitters: Uncertain significance (7); Likely benign (2). Last evaluated 2026-08-03.

Conditions:
TTN-related disorder. Also called: TTN-related condition; TTN-related disease; TTN-related disorders.
Dilated cardiomyopathy 1G (CMD1G). Identifiers: Orphanet 154, MedGen C1858763, MONDO:0011400, OMIM 604145.
Autosomal recessive limb-girdle muscular dystrophy type 2J (LGMDR10). Also called: Limb-girdle muscular dystrophy, type 2J; MUSCULAR DYSTROPHY, LIMB-GIRDLE, AUTOSOMAL RECESSIVE 10. Identifiers: Orphanet 140922, MedGen C1837342, MONDO:0012127, OMIM 608807.
Cardiovascular phenotype. Identifiers: MedGen CN230736.
Cardiomyopathy (CMYO). Also called: Cardiomyopathies. Identifiers: Orphanet 167848, MedGen C0878544, MONDO:0004994, HP:0001638. Inheritance: Various modes of inheritance.

Allele frequency attached by ClinVar (database versions not stated): ExAC 0.00003; gnomAD exomes 0.00004; gnomAD 0.00011 and 0.00012; TOPMed 0.00012.
gnomAD v4.1: 284 of 1,613,252 alleles (0.018%); highest among the groups gnomAD compares: Non-Finnish European, 0.022%; no homozygotes.

Submissions (9):

PreventionGenetics, part of Exact Sciences
Classification: Uncertain significance for TTN-related condition. Last evaluated: 2026-08-03. Review status: criteria provided, single submitter. Criteria: ACMG Guidelines, 2015. Collection method: clinical testing. Allele origin: germline.
Comment: The TTN c.91399C>T variant is predicted to result in the amino acid substitution p.Arg30467Cys. To our knowledge, this variant has not been reported in the literature. This variant is reported in 0.010% of alleles in individuals of European (Non-Finnish) descent in gnomAD. Although we suspect that this variant may be benign, at this time, the clinical significance of this variant is uncertain due to the absence of conclusive functional and genetic evidence.

Athena Diagnostics
Classification: Uncertain significance. Last evaluated: 2025-08-25. Review status: criteria provided, single submitter. Criteria: Athena Diagnostics Criteria. Collection method: clinical testing. Allele origin: unknown.
Comment: Available data are insufficient to determine the clinical significance of the variant at this time. The frequency of this variant in the general population is uninformative in assessment of its pathogenicity. Polyphen and MutationTaster yielded discordant predictions regarding whether this amino acid change is damaging to the protein.

Molecular Diagnostic Laboratory for Inherited Cardiovascular Disease, Montreal Heart Institute
Classification: Likely benign. Last evaluated: 2025-04-09. Review status: criteria provided, single submitter. Criteria: ACMG Guidelines, 2015. Collection method: clinical testing. Allele origin: germline. Affected: no.
Comment: BP1

Revvity Omics, Revvity
Classification: Uncertain significance. Last evaluated: 2019-03-27. Review status: criteria provided, single submitter. Criteria: ACMG Guidelines, 2015. Collection method: clinical testing. Allele origin: germline.

GeneDx
Classification: Likely benign. Last evaluated: 2018-10-02. Review status: criteria provided, single submitter. Criteria: GeneDx Variant Classification Process June 2021. Collection method: clinical testing. Allele origin: germline. Affected: yes.

Ambry Genetics
Classification: Uncertain significance for Cardiovascular phenotype. Last evaluated: 2018-09-17. Review status: criteria provided, single submitter. Criteria: Ambry Variant Classification Scheme 2023. Collection method: clinical testing. Allele origin: germline.
Comment: The p.R21402C variant (also known as c.64204C>T), located in coding exon 163 of the TTN gene, results from a C to T substitution at nucleotide position 64204. The arginine at codon 21402 is replaced by cysteine, an amino acid with highly dissimilar properties. This amino acid position is well conserved in available vertebrate species. In addition, this alteration is predicted to be tolerated by in silico analysis. Since supporting evidence is limited at this time, the clinical significance of this alteration remains unclear.

CHEO Genetics Diagnostic Laboratory, Children's Hospital of Eastern Ontario
Classification: Uncertain significance for Cardiomyopathy. Last evaluated: 2018-05-01. Review status: criteria provided, single submitter. Criteria: ACMG Guidelines, 2015. Collection method: clinical testing. Allele origin: germline.

Labcorp Genetics (formerly Invitae), Labcorp
Classification: Uncertain significance for Dilated cardiomyopathy 1G; Autosomal recessive limb-girdle muscular dystrophy type 2J. Last evaluated: 2017-09-28. Review status: criteria provided, single submitter. Criteria: Invitae Variant Classification Sherloc (09022015). Collection method: clinical testing. Allele origin: germline.

Eurofins Ntd Llc (ga)
Classification: Uncertain significance. Last evaluated: 2016-12-27. Review status: criteria provided, single submitter. Criteria: EGL Classification Definitions 2015. Collection method: clinical testing. Allele origin: germline. Observed: 1 variant allele, 1 heterozygote.

NM_001267550.2(TTN):c.91399C>T (p.Arg30467Cys)

Genes: TTN (titin; minus strand), TTN-AS1 (TTN antisense RNA 1; plus strand). Cytogenetic location: 2q31.2.
Variant type: single nucleotide variant.
Coding change: c.91399C>T on transcript NM_001267550.2 (MANE Select); coding-DNA position 91399, C replaced by T.
Protein change: p.Arg30467Cys; replaces arginine 30467 with cysteine.
Molecular consequence: missense variant.
Genome position (GRCh38, 1-based): chr2:178,551,132, G>A on the plus strand (C>T on the coding strand, the complement: TTN is on the minus strand). VCF-style: chr2-178551132-G-A. GRCh37 (hg19) VCF-style: chr2-179415859-G-A.
Other names: p.R28826C:CGC>TGC; c.91399C>T (LRG_391t1); c.86476C>T, p.Arg28826Cys (NM_001256850.1); c.64204C>T, p.Arg21402Cys (NM_003319.4); c.83695C>T, p.Arg27899Cys (NM_133378.4); c.64579C>T, p.Arg21527Cys (NM_133432.3); c.64780C>T, p.Arg21594Cys (NM_133437.4); short protein forms R28826C, R30467C, R21527C, R21594C, R21402C, R27899C.
Identifiers: ClinVar variation 202981 (VCV000202981.20), dbSNP rs775591945, ClinGen allele CA310881.